The following is an entry in ClinVar:

ClinVar aggregate classification (germline): Benign/Likely benign. Review status: criteria provided, multiple submitters, no conflicts (2 of 4 stars). 3 submissions from 3 submitters: Benign (1); Likely benign (2). Last evaluated 2025-01-10.

Conditions:
Hereditary cancer-predisposing syndrome. Also called: Neoplastic Syndromes, Hereditary; Tumor predisposition; Hereditary neoplastic syndrome; Hereditary Cancer Syndrome. Identifiers: Orphanet 140162, MedGen C0027672, MeSH D009386, MONDO:0015356.
Familial cancer of breast. Also called: BREAST CANCER, FAMILIAL; Hereditary breast cancer; hereditary breast carcinoma. Identifiers: Orphanet 227535, MedGen C0346153, MONDO:0016419, OMIM 114480. Disease mechanism: loss of function.

gnomAD v4.1: 2 of 1,614,070 alleles (0.00012%); highest among the groups gnomAD compares: Middle Eastern, 0.016%; no homozygotes.

Submissions (3):

Myriad Genetics, Inc.
Classification: Benign for Familial cancer of breast. Last evaluated: 2025-01-10. Review status: criteria provided, single submitter. Criteria: Myriad Autosomal Dominant, Autosomal Recessive and X-Linked Classification Criteria (2023). Collection method: clinical testing. Allele origin: unknown.
Comment: This variant is considered benign. This variant is a silent/synonymous amino acid change and it is not expected to impact splicing.

Ambry Genetics
Classification: Likely benign for Hereditary cancer-predisposing syndrome. Last evaluated: 2019-09-16. Review status: criteria provided, single submitter. Criteria: Ambry Variant Classification Scheme 2023. Collection method: clinical testing. Allele origin: germline.

Color Diagnostics, LLC DBA Color Health
Classification: Likely benign for Hereditary cancer-predisposing syndrome. Last evaluated: 2018-09-25. Review status: criteria provided, single submitter. Criteria: ACMG Guidelines, 2015. Collection method: clinical testing. Allele origin: germline.

NM_024675.4(PALB2):c.507C>T (p.Leu169=)

Gene: PALB2 (partner and localizer of BRCA2; minus strand). Cytogenetic location: 16p12.2.
Variant type: single nucleotide variant.
Coding change: c.507C>T on transcript NM_024675.4 (MANE Select); coding-DNA position 507, C replaced by T.
Protein change: p.Leu169=; no amino-acid change (leucine 169 retained).
Molecular consequence: synonymous variant.
Genome position (GRCh38, 1-based): chr16:23,636,039, G>A on the plus strand (C>T on the coding strand, the complement: PALB2 is on the minus strand). VCF-style: chr16-23636039-G-A. GRCh37 (hg19) VCF-style: chr16-23647360-G-A.
Identifiers: ClinVar variation 629255 (VCV000629255.7), dbSNP rs1375166092, ClinGen allele CA494461891.